The following is an entry in ClinVar:

ClinVar aggregate classification (germline): Uncertain significance (1 of 4 stars; one submission).

Submission:

Labcorp Genetics (formerly Invitae), Labcorp
Classification: Uncertain significance. Last evaluated: 2020-08-15. Review status: criteria provided, single submitter. Criteria: Invitae Variant Classification Sherloc (09022015). Collection method: clinical testing. Allele origin: germline.
Comment: This variant has not been reported in the literature in individuals with POLE-related conditions. This variant is not present in population databases (ExAC no frequency). This sequence change falls in intron 13 of the POLE gene. It does not directly change the encoded amino acid sequence of the POLE protein, but it affects a nucleotide within the consensus splice site of the intron. Nucleotide substitutions within the consensus splice site are a relatively common cause of aberrant splicing (PMID: 17576681, 9536098). Algorithms developed to predict the effect of sequence changes on RNA splicing suggest that this variant is not likely to affect RNA splicing, but this prediction has not been confirmed by published transcriptional studies. In summary, the available evidence is currently insufficient to determine the role of this variant in disease. Therefore, it has been classified as a Variant of Uncertain Significance.

Literature cited by the submitters: PubMed 17576681; PubMed 9536098.

NM_006231.4(POLE):c.1360-3C>T

Gene: POLE (DNA polymerase epsilon, catalytic subunit; minus strand). Cytogenetic location: 12q24.33.
Variant type: single nucleotide variant.
Coding change: c.1360-3C>T on transcript NM_006231.4 (MANE Select); 3 bases into the intron before coding-DNA position 1360, C replaced by T.
Molecular consequence: intron variant.
Genome position (GRCh38, 1-based): chr12:132,673,280, G>A on the plus strand (C>T on the coding strand, the complement: POLE is on the minus strand). VCF-style: chr12-132673280-G-A. GRCh37 (hg19) VCF-style: chr12-133249866-G-A.
Identifiers: ClinVar variation 1010205 (VCV001010205.6), dbSNP rs2042973130, ClinGen allele CA2073001676.